The following is an entry in ClinVar:

ClinVar aggregate classification (germline): Uncertain significance. Review status: criteria provided, single submitter (1 of 4 stars). 2 submissions from 2 submitters: Uncertain significance (1). 1 of the submissions does not count toward it. Last evaluated 2025-04-17.

Conditions:
POLR1B-related disorder. Also called: POLR1B-related condition.

Allele frequency attached by ClinVar (database versions not stated): 1000 Genomes Project 0.00020; ExAC 0.00028; TOPMed 0.00031; gnomAD exomes 0.00065; 1000 Genomes Project 30x 0.00016; gnomAD 0.00025; ESP Exome Variant Server 0.00031.
gnomAD v4.1: 988 of 1,609,036 alleles (0.061%); highest among the groups gnomAD compares: Non-Finnish European, 0.078%; 1 homozygote.

Submissions (2):

Ambry Genetics
Classification: Uncertain significance. Last evaluated: 2025-04-17. Review status: criteria provided, single submitter. Criteria: Ambry Variant Classification Scheme 2023. Collection method: clinical testing. Allele origin: germline.

PreventionGenetics, part of Exact Sciences
Classification: Likely benign for POLR1B-related condition. Last evaluated: 2024-04-11. Review status: no assertion criteria provided. Collection method: clinical testing. Allele origin: germline. Not counted in ClinVar's aggregate classification.
Comment: This variant is classified as likely benign based on ACMG/AMP sequence variant interpretation guidelines (Richards et al. 2015 PMID: 25741868, with internal and published modifications).

NM_019014.6(POLR1B):c.3398A>G (p.Asp1133Gly)

Gene: POLR1B (RNA polymerase I subunit B; plus strand). Cytogenetic location: 2q14.1.
Variant type: single nucleotide variant.
Coding change: c.3398A>G on transcript NM_019014.6 (MANE Select); coding-DNA position 3398, A replaced by G.
Protein change: p.Asp1133Gly; replaces aspartic acid 1133 with glycine.
Molecular consequence: missense variant.
Genome position (GRCh38, 1-based): chr2:112,575,719, A>G. VCF-style: chr2-112575719-A-G. GRCh37 (hg19) VCF-style: chr2-113333296-A-G.
Other names: c.3230A>G, p.Asp1077Gly (NM_001137604.3, NM_032212.2); c.3512A>G, p.Asp1171Gly (NM_001282772.2); c.2849A>G, p.Asp950Gly (NM_001282774.2); c.2765A>G, p.Asp922Gly (NM_001282776.2, NM_001371971.1); c.2981A>G, p.Asp994Gly (NM_001282777.2, NM_001282779.2, NM_001371970.1); c.3536A>G, p.Asp1179Gly (NM_001371969.1); c.3512A>G (NM_001282772.1); short protein forms D1077G, D1179G, D1133G, D950G, D994G, D1171G, D922G.
Identifiers: ClinVar variation 2342370 (VCV002342370.5), dbSNP rs143416674, ClinGen allele CA1835457.
Genomic context (GRCh38, chr2:112,575,719, plus strand): 5'-CTTATGTTTTTCGGTATTTTGTAGCTGAACTGGCAGCTATGAACATCAAAGTGAAACTGG[A>G]TGTTGTTTAACTTGATGTTGACCTTTTGGATTAAGAGGACTATCAGATTAAAGCAAAATG-3'
Protein context (NP_061887.2, residues 1123-1135): LAAMNIKVKL[Asp1133Gly]VV